The following is an entry in ClinVar:

NM_001126108.2(SLC12A3):c.842G>A (p.Trp281Ter)

Gene: SLC12A3 (solute carrier family 12 member 3; plus strand). Cytogenetic location: 16q13.
Variant type: single nucleotide variant.
Coding change: c.842G>A on transcript NM_001126108.2 (MANE Select); coding-DNA position 842, G replaced by A.
Protein change: p.Trp281Ter; replaces tryptophan 281 with a stop codon.
Molecular consequence: nonsense.
Genome position (GRCh38, 1-based): chr16:56,870,726, G>A. VCF-style: chr16-56870726-G-A. GRCh37 (hg19) VCF-style: chr16-56904638-G-A.
Other names: c.842G>A, p.Trp281Ter (NM_000339.3); c.839G>A, p.Trp280Ter (NM_001126107.2, NM_001410896.1); short protein forms W280*, W281*.
Identifiers: ClinVar variation 2767617 (VCV002767617.3), dbSNP rs2543483865, ClinGen allele CA395982305.

ClinVar aggregate classification (germline): Pathogenic (1 of 4 stars; one submission).

Submission:

Labcorp Genetics (formerly Invitae), Labcorp
Classification: Pathogenic. Last evaluated: 2023-10-11. Review status: criteria provided, single submitter. Criteria: Invitae Variant Classification Sherloc (09022015). Collection method: clinical testing. Allele origin: germline.
Comment: This sequence change creates a premature translational stop signal (p.Trp281*) in the SLC12A3 gene. It is expected to result in an absent or disrupted protein product. Loss-of-function variants in SLC12A3 are known to be pathogenic (PMID: 20848653, 22009145, 25841442). This variant is not present in population databases (gnomAD no frequency). This variant has not been reported in the literature in individuals affected with SLC12A3-related conditions. For these reasons, this variant has been classified as Pathogenic.

Literature cited by the submitters: PubMed 20848653; PubMed 22009145; PubMed 25841442.